The following is an entry in ClinVar:

ClinVar aggregate classification (germline): Likely benign. Review status: criteria provided, multiple submitters, no conflicts (2 of 4 stars). 2 submissions from 2 submitters: Likely benign (2). Last evaluated 2025-05-20.

Conditions:
Methylcobalamin deficiency type cblG (HMAG). Also called: Functional methionine synthase deficiency type cblG; HOMOCYSTINURIA-MEGALOBLASTIC ANEMIA, cblG COMPLEMENTATION TYPE; HOMOCYSTINURIA-MEGALOBLASTIC ANEMIA, cblG TYPE; HOMOCYSTINURIA-MEGALOBLASTIC ANEMIA DUE TO DEFECT IN COBALAMIN METABOLISM, cblG COMPLEMENTATION TYPE. Identifiers: Orphanet 2170, Orphanet 622, MedGen C1855128, MONDO:0009609, OMIM 250940.

Allele frequency attached by ClinVar (database versions not stated): gnomAD exomes below 0.00001; gnomAD 0.00004 and 0.00005; TOPMed 0.00005.
gnomAD v4.1: 12 of 1,613,908 alleles (0.00074%); highest among the groups gnomAD compares: Admixed American, 0.0067%; no homozygotes.

Submissions (2):

Labcorp Genetics (formerly Invitae), Labcorp
Classification: Likely benign for Methylcobalamin deficiency type cblG. Last evaluated: 2025-05-20. Review status: criteria provided, single submitter. Criteria: Invitae Variant Classification Sherloc (09022015). Collection method: clinical testing. Allele origin: germline.

GeneDx
Classification: Likely benign. Last evaluated: 2017-10-26. Review status: criteria provided, single submitter. Criteria: GeneDx Variant Classification (06012015). Collection method: clinical testing. Allele origin: germline. Affected: yes.
Comment: This variant is considered likely benign or benign based on one or more of the following criteria: it is a conservative change, it occurs at a poorly conserved position in the protein, it is predicted to be benign by multiple in silico algorithms, and/or has population frequency not consistent with disease.

NM_000254.3(MTR):c.1086C>G (p.Pro362=)

Gene: MTR (5-methyltetrahydrofolate-homocysteine methyltransferase; plus strand). Cytogenetic location: 1q43.
Variant type: single nucleotide variant.
Coding change: c.1086C>G on transcript NM_000254.3 (MANE Select); coding-DNA position 1086, C replaced by G.
Protein change: p.Pro362=; no amino-acid change (proline 362 retained).
Molecular consequence: synonymous variant. On other transcripts: intron variant (1).
Genome position (GRCh38, 1-based): chr1:236,831,976, C>G. VCF-style: chr1-236831976-C-G. GRCh37 (hg19) VCF-style: chr1-236995276-C-G.
Other names: c.1086C>G, p.Pro362= (NM_001291939.1); c.-34+2708C>G (NM_001291940.2).
Identifiers: ClinVar variation 512657 (VCV000512657.9), dbSNP rs779393795, ClinGen allele CA1473996.